The following is an entry in ClinVar:

NM_000199.5(SGSH):c.1417del (p.Trp473fs)

Gene: SGSH (N-sulfoglucosamine sulfohydrolase; minus strand). Cytogenetic location: 17q25.3.
Variant type: Deletion.
Coding change: c.1417del on transcript NM_000199.5 (MANE Select); coding-DNA position 1417, one base deleted (T; older notation c.1417delT).
Protein change: p.Trp473fs; shifts the reading frame from tryptophan 473.
Molecular consequence: frameshift variant. On other transcripts: 3 prime UTR variant (2), non-coding transcript variant (1).
Genome position (GRCh38, 1-based): chr17:80,210,544, A deleted on the plus strand (T on the coding strand, the reverse complement: SGSH is on the minus strand). VCF-style (leftmost placement, unchanged base first): chr17-80210543-CA-C. GRCh37 (hg19) VCF-style: chr17-78184342-CA-C.
Other names: c.*504del (NM_001352921.3); c.*467del (NM_001352922.2); short protein forms W473fs.
Identifiers: ClinVar variation 2754541 (VCV002754541.3), dbSNP rs2510855616, ClinGen allele CA2697555256.

ClinVar aggregate classification (germline): Pathogenic (1 of 4 stars; one submission).

Conditions:
Mucopolysaccharidosis, MPS-III-A (MPS3A). Also called: Mucopolysaccharidosis type IIIA (Sanfilippo A); Mucopolysaccharidosis, type IIIA; mucopolysaccharidosis type 3A; MPS IIIA (Sanfilippo Syndrome Type A); HEPARAN SULFATE SULFATASE DEFICIENCY; SANFILIPPO SYNDROME A. Identifiers: Orphanet 581, Orphanet 79269, MedGen C0086647, MONDO:0009655, OMIM 252900.

Submission:

Labcorp Genetics (formerly Invitae), Labcorp
Classification: Pathogenic for Mucopolysaccharidosis, MPS-III-A. Last evaluated: 2023-08-23. Review status: criteria provided, single submitter. Criteria: Invitae Variant Classification Sherloc (09022015). Collection method: clinical testing. Allele origin: germline.
Comment: This sequence change results in a frameshift in the SGSH gene (p.Trp473Glyfs*118). While this is not anticipated to result in nonsense mediated decay, it is expected to disrupt the last 30 amino acid(s) of the SGSH protein and extend the protein by 87 additional amino acid residues. This variant is not present in population databases (gnomAD no frequency). This variant has not been reported in the literature in individuals affected with SGSH-related conditions. This variant disrupts a region of the SGSH protein in which other variant(s) (p.Trp479*) have been determined to be pathogenic (PMID: 21204211). This suggests that this is a clinically significant region of the protein, and that variants that disrupt it are likely to be disease-causing. For these reasons, this variant has been classified as Pathogenic.

Literature cited by the submitters: PubMed 21204211.